The following is an entry in ClinVar:

NM_003072.5(SMARCA4):c.3417G>A (p.Leu1139=)

Gene: SMARCA4 (SWI/SNF related BAF chromatin remodeling complex subunit ATPase 4; plus strand). Cytogenetic location: 19p13.2.
Variant type: single nucleotide variant.
Coding change: c.3417G>A on transcript NM_003072.5 (MANE Select); coding-DNA position 3417, G replaced by A.
Protein change: p.Leu1139=; no amino-acid change (leucine 1139 retained).
Molecular consequence: synonymous variant. On other transcripts: non-coding transcript variant (1).
Genome position (GRCh38, 1-based): chr19:11,030,764, G>A. VCF-style: chr19-11030764-G-A. GRCh37 (hg19) VCF-style: chr19-11141440-G-A.
Other names: c.3417G>A, p.Leu1139= (NM_001128844.3, NM_001128845.2, NM_001128846.2 and 4 more transcripts).
Identifiers: ClinVar variation 823750 (VCV000823750.14), dbSNP rs1600364543, ClinGen allele CA505492016.

ClinVar aggregate classification (germline): Benign/Likely benign. Review status: criteria provided, multiple submitters, no conflicts (2 of 4 stars). 3 submissions from 3 submitters: Benign (1); Likely benign (2). Last evaluated 2026-07-14.

Conditions:
Rhabdoid tumor predisposition syndrome 2 (RTPS2). Identifiers: Orphanet 231108, Orphanet 69077, MedGen C2750074, MONDO:0013224, OMIM 613325.
Hereditary cancer-predisposing syndrome. Also called: Hereditary neoplastic syndrome; Neoplastic Syndromes, Hereditary; Tumor predisposition; Hereditary Cancer Syndrome. Identifiers: Orphanet 140162, MedGen C0027672, MeSH D009386, MONDO:0015356.

gnomAD v4.1: 3 of 1,611,924 alleles (0.00019%); highest among the groups gnomAD compares: Admixed American, 0.0017%; no homozygotes.

Submissions (3):

Myriad Genetics, Inc.
Classification: Benign for Rhabdoid tumor predisposition syndrome 2. Last evaluated: 2026-07-14. Review status: criteria provided, single submitter. Criteria: Myriad Autosomal Dominant, Autosomal Recessive and X-Linked Classification Criteria (2023). Collection method: clinical testing. Allele origin: unknown.
Comment: This variant is considered benign. This variant is a silent/synonymous amino acid change and it is not expected to impact splicing.

Labcorp Genetics (formerly Invitae), Labcorp
Classification: Likely benign for Rhabdoid tumor predisposition syndrome 2. Last evaluated: 2024-04-10. Review status: criteria provided, single submitter. Criteria: Invitae Variant Classification Sherloc (09022015). Collection method: clinical testing. Allele origin: germline.

Ambry Genetics
Classification: Likely benign for Hereditary cancer-predisposing syndrome. Last evaluated: 2018-01-24. Review status: criteria provided, single submitter. Criteria: Ambry Variant Classification Scheme 2023. Collection method: clinical testing. Allele origin: germline.